The following is an entry in ClinVar:

ClinVar aggregate classification (germline): Benign/Likely benign. Review status: criteria provided, multiple submitters, no conflicts (2 of 4 stars). 2 submissions from 2 submitters: Benign (1); Likely benign (1). Last evaluated 2022-09-01.

Allele frequency attached by ClinVar (database versions not stated): 1000 Genomes Project 0.00100; 1000 Genomes Project 30x 0.00109; ESP Exome Variant Server 0.00184; TOPMed 0.00203; ExAC 0.00235; gnomAD exomes 0.00237; gnomAD 0.00245 and 0.00255.
gnomAD v4.1: 4,512 of 1,613,872 alleles (0.28%); highest among the groups gnomAD compares: Non-Finnish European, 0.33%; 7 homozygotes.

Submissions (2):

CeGaT Center for Human Genetics Tuebingen
Classification: Likely benign. Last evaluated: 2022-09-01. Review status: criteria provided, single submitter. Criteria: CeGaT Center For Human Genetics Tuebingen Variant Classification Criteria Version 2. Collection method: clinical testing. Allele origin: germline. Affected: yes. Observed: 1 variant allele.
Comment: RIOX1: BP4, BP7

Labcorp Genetics (formerly Invitae), Labcorp
Classification: Benign. Last evaluated: 2018-10-23. Review status: criteria provided, single submitter. Criteria: Invitae Variant Classification Sherloc (09022015). Collection method: clinical testing. Allele origin: germline.

NM_024644.5(RIOX1):c.1587C>G (p.Arg529=)

Genes: ACOT1 (acyl-CoA thioesterase 1; plus strand), HEATR4 (HEAT repeat containing 4; minus strand), RIOX1 (ribosomal oxygenase 1; plus strand). Cytogenetic location: 14q24.3.
Variant type: single nucleotide variant.
Coding change: c.1587C>G on transcript NM_024644.5 (MANE Select); coding-DNA position 1587, C replaced by G.
Protein change: p.Arg529=; no amino-acid change (arginine 529 retained).
Molecular consequence: synonymous variant. On other transcripts: intron variant (2).
Genome position (GRCh38, 1-based): chr14:73,492,604, C>G. VCF-style: chr14-73492604-C-G. GRCh37 (hg19) VCF-style: chr14-73959308-C-G.
Other names: c.2844+462G>C (NM_203309.2, NM_001220484.1).
Identifiers: ClinVar variation 788892 (VCV000788892.27), dbSNP rs34068039, ClinGen allele CA7259435.